The following is an entry in ClinVar:

NM_001165963.4(SCN1A):c.4602C>G (p.Val1534=)

Genes: SCN1A (sodium voltage-gated channel alpha subunit 1; minus strand), LOC102724058 (uncharacterized LOC102724058; plus strand). Cytogenetic location: 2q24.3.
Variant type: single nucleotide variant.
Coding change: c.4602C>G on transcript NM_001165963.4 (MANE Select); coding-DNA position 4602, C replaced by G.
Protein change: p.Val1534=; no amino-acid change (valine 1534 retained).
Molecular consequence: synonymous variant. On other transcripts: non-coding transcript variant (1).
Genome position (GRCh38, 1-based): chr2:165,994,396, G>C on the plus strand (C>G on the coding strand, the complement: SCN1A is on the minus strand). VCF-style: chr2-165994396-G-C. GRCh37 (hg19) VCF-style: chr2-166850906-G-C.
Other names: c.4518C>G, p.Val1506= (NM_001165964.3, NM_001353957.2, NM_001353958.2); c.4602C>G, p.Val1534= (NM_001202435.3, NM_001353948.2); c.4569C>G, p.Val1523= (NM_001353949.2, NM_001353950.2, NM_001353951.2 and 2 more transcripts); c.4566C>G, p.Val1522= (NM_001353954.2, NM_001353955.2); c.4515C>G, p.Val1505= (NM_001353960.2); c.2160C>G, p.Val720= (NM_001353961.2).
Identifiers: ClinVar variation 1690940 (VCV001690940.2), dbSNP rs781716562, ClinGen allele CA1942761.

ClinVar aggregate classification (germline): Uncertain significance (1 of 4 stars; one submission).

Allele frequency attached by ClinVar (database versions not stated): gnomAD exomes below 0.00001; ExAC 0.00001.
gnomAD v4.1: 2 of 1,612,792 alleles (0.00012%); highest among the groups gnomAD compares: Non-Finnish European, 0.00017%; no homozygotes.

Submission:

Laboratorio de Genetica e Diagnostico Molecular, Hospital Israelita Albert Einstein
Classification: Uncertain significance. Last evaluated: 2020-09-30. Review status: criteria provided, single submitter. Criteria: ACMG Guidelines, 2015. Collection method: clinical testing. Allele origin: germline. Affected: yes.
Comment: ACMG classification criteria: PM2, BP7